The following is an entry in ClinVar:

ClinVar aggregate classification (germline): Uncertain significance (1 of 4 stars; one submission).

Conditions:
Hereditary cancer-predisposing syndrome. Also called: Neoplastic Syndromes, Hereditary; Tumor predisposition; Hereditary neoplastic syndrome; Hereditary Cancer Syndrome. Identifiers: Orphanet 140162, MedGen C0027672, MeSH D009386, MONDO:0015356.

Submission:

Ambry Genetics
Classification: Uncertain significance for Hereditary cancer-predisposing syndrome. Last evaluated: 2025-07-30. Review status: criteria provided, single submitter. Criteria: Ambry Variant Classification Scheme 2023. Collection method: clinical testing. Allele origin: germline.
Comment: The c.250-745G>T intronic variant results from a G to T substitution 745 nucleotides upstream from coding exon 2 in the FLCN gene. This nucleotide position is well conserved in available vertebrate species. In silico splice site analysis predicts that this alteration will result in the creation or strengthening of a novel splice donor site and will result in the creation or strengthening of a novel splice acceptor site. RNA studies have demonstrated that this alteration results in a splice defect; the clinical impact of this abnormal splicing is unknown at this time (Ambry internal data). Since supporting evidence is limited at this time, the clinical significance of this alteration remains unclear.

NM_144997.7(FLCN):c.250-745G>T

Gene: FLCN (folliculin; minus strand). Cytogenetic location: 17p11.2.
Variant type: single nucleotide variant.
Coding change: c.250-745G>T on transcript NM_144997.7 (MANE Select); 745 bases into the intron before coding-DNA position 250, G replaced by T.
Molecular consequence: intron variant.
Genome position (GRCh38, 1-based): chr17:17,227,067, C>A on the plus strand (G>T on the coding strand, the complement: FLCN is on the minus strand). VCF-style: chr17-17227067-C-A. GRCh37 (hg19) VCF-style: chr17-17130381-C-A.
Other names: c.250-745G>T (NM_001353231.2, NM_001353230.2, NM_001353229.2 and 1 more transcripts).
Identifiers: ClinVar variation 2451828 (VCV002451828.3), dbSNP rs2544292997, ClinGen allele CA2580092671.
Genomic context (GRCh38, chr17:17,227,067, plus strand): 5'-TGCCCCAGCAGCCTGGCGGTGCCCTCCTTCCCAGGTCTGAGGTGCTCCCCATCCCCCATT[C>A]CTTACAGGCAATTCCAGCAATGGATGCAGCTCTTACACGTCCTCTGCTTCTGCAGCAGAA-3'